The following is an entry in ClinVar:

ClinVar aggregate classification (germline): Uncertain significance (1 of 4 stars; one submission).

Conditions:
Progressive myoclonic epilepsy type 5. Identifiers: Orphanet 402082, MedGen C5190799.

Submission:

Labcorp Genetics (formerly Invitae), Labcorp
Classification: Uncertain significance for Progressive myoclonic epilepsy type 5. Last evaluated: 2023-01-17. Review status: criteria provided, single submitter. Criteria: Invitae Variant Classification Sherloc (09022015). Collection method: clinical testing. Allele origin: germline.
Comment: In summary, the available evidence is currently insufficient to determine the role of this variant in disease. Therefore, it has been classified as a Variant of Uncertain Significance. Advanced modeling of protein sequence and biophysical properties (such as structural, functional, and spatial information, amino acid conservation, physicochemical variation, residue mobility, and thermodynamic stability) performed at Invitae indicates that this missense variant is not expected to disrupt PRICKLE2 protein function. This variant has not been reported in the literature in individuals affected with PRICKLE2-related conditions. This variant is not present in population databases (gnomAD no frequency). This sequence change replaces arginine, which is basic and polar, with serine, which is neutral and polar, at codon 638 of the PRICKLE2 protein (p.Arg638Ser).

NM_198859.4(PRICKLE2):c.1914G>T (p.Arg638Ser)

Genes: PRICKLE2 (prickle planar cell polarity protein 2; minus strand), PRICKLE2-AS1 (PRICKLE2 antisense RNA 1; plus strand). Cytogenetic location: 3p14.1.
Variant type: single nucleotide variant.
Coding change: c.1914G>T on transcript NM_198859.4 (MANE Select); coding-DNA position 1914, G replaced by T.
Protein change: p.Arg638Ser; replaces arginine 638 with serine.
Molecular consequence: missense variant. On other transcripts: non-coding transcript variant (1).
Genome position (GRCh38, 1-based): chr3:64,099,672, C>A on the plus strand (G>T on the coding strand, the complement: PRICKLE2 is on the minus strand). VCF-style: chr3-64099672-C-A. GRCh37 (hg19) VCF-style: chr3-64085348-C-A.
Other names: c.1914G>T, p.Arg638Ser (NM_001370528.1); short protein forms R638S.
Identifiers: ClinVar variation 2814223 (VCV002814223.3), dbSNP rs2471101551, ClinGen allele CA353427420.